The following is an entry in ClinVar:

ClinVar aggregate classification (germline): Uncertain significance (1 of 4 stars; one submission).

Conditions:
Lethal multiple pterygium syndrome (LMPS). Identifiers: Orphanet 33108, MedGen C1854678, MONDO:0009668, OMIM 253290.

gnomAD v4.1: 4 of 1,614,142 alleles (0.00025%); highest among the groups gnomAD compares: Admixed American, 0.0067%; no homozygotes.

Submission:

Labcorp Genetics (formerly Invitae), Labcorp
Classification: Uncertain significance for Lethal multiple pterygium syndrome. Last evaluated: 2024-09-19. Review status: criteria provided, single submitter. Criteria: Invitae Variant Classification Sherloc (09022015). Collection method: clinical testing. Allele origin: germline.
Comment: This sequence change replaces proline, which is neutral and non-polar, with leucine, which is neutral and non-polar, at codon 144 of the CHRND protein (p.Pro144Leu). This variant is present in population databases (rs745504192, gnomAD 0.006%). This variant has not been reported in the literature in individuals affected with CHRND-related conditions. Invitae Evidence Modeling of protein sequence and biophysical properties (such as structural, functional, and spatial information, amino acid conservation, physicochemical variation, residue mobility, and thermodynamic stability) indicates that this missense variant is expected to disrupt CHRND protein function with a positive predictive value of 80%. In summary, the available evidence is currently insufficient to determine the role of this variant in disease. Therefore, it has been classified as a Variant of Uncertain Significance.

NM_000751.3(CHRND):c.431C>T (p.Pro144Leu)

Gene: CHRND (cholinergic receptor nicotinic delta subunit; plus strand). Cytogenetic location: 2q37.1.
Variant type: single nucleotide variant.
Coding change: c.431C>T on transcript NM_000751.3 (MANE Select); coding-DNA position 431, C replaced by T.
Protein change: p.Pro144Leu; replaces proline 144 with leucine.
Molecular consequence: missense variant. On other transcripts: synonymous variant (1).
Genome position (GRCh38, 1-based): chr2:232,528,578, C>T. VCF-style: chr2-232528578-C-T. GRCh37 (hg19) VCF-style: chr2-233393288-C-T.
Other names: c.386C>T, p.Pro129Leu (NM_001256657.2); c.160C>T, p.Leu54= (NM_001311195.2); c.128C>T, p.Pro43Leu (NM_001311196.2); short protein forms P129L, P144L, P43L.
Identifiers: ClinVar variation 3612469 (VCV003612469.2).